The following is an entry in ClinVar:

NM_001270508.2(TNFAIP3):c.1274C>T (p.Pro425Leu)

Gene: TNFAIP3 (TNF alpha induced protein 3; plus strand). Cytogenetic location: 6q23.3.
Variant type: single nucleotide variant.
Coding change: c.1274C>T on transcript NM_001270508.2 (MANE Select); coding-DNA position 1274, C replaced by T.
Protein change: p.Pro425Leu; replaces proline 425 with leucine.
Molecular consequence: missense variant.
Genome position (GRCh38, 1-based): chr6:137,878,719, C>T. VCF-style: chr6-137878719-C-T. GRCh37 (hg19) VCF-style: chr6-138199856-C-T.
Other names: c.1274C>T, p.Pro425Leu (NM_001270507.2, NM_006290.4); short protein forms P425L.
Identifiers: ClinVar variation 2785899 (VCV002785899.4), dbSNP rs748195339, ClinGen allele CA4019600.

ClinVar aggregate classification (germline): Uncertain significance. Review status: criteria provided, multiple submitters, no conflicts (2 of 4 stars). 2 submissions from 2 submitters: Uncertain significance (2). Last evaluated 2025-06-25.

gnomAD v4.1: 12 of 1,614,086 alleles (0.00074%); highest among the groups gnomAD compares: South Asian, 0.011%; no homozygotes.

Submissions (2):

Labcorp Genetics (formerly Invitae), Labcorp
Classification: Uncertain significance. Last evaluated: 2025-06-25. Review status: criteria provided, single submitter. Criteria: Invitae Variant Classification Sherloc (09022015). Collection method: clinical testing. Allele origin: germline.
Comment: This sequence change replaces proline, which is neutral and non-polar, with leucine, which is neutral and non-polar, at codon 425 of the TNFAIP3 protein (p.Pro425Leu). This variant is present in population databases (rs748195339, gnomAD 0.006%). This variant has not been reported in the literature in individuals affected with TNFAIP3-related conditions. ClinVar contains an entry for this variant (Variation ID: 2785899). Invitae Evidence Modeling of protein sequence and biophysical properties (such as structural, functional, and spatial information, amino acid conservation, physicochemical variation, residue mobility, and thermodynamic stability) indicates that this missense variant is not expected to disrupt TNFAIP3 protein function with a negative predictive value of 80%. In summary, the available evidence is currently insufficient to determine the role of this variant in disease. Therefore, it has been classified as a Variant of Uncertain Significance.

Blueprint Genetics
Classification: Uncertain significance. Last evaluated: 2019-03-14. Review status: criteria provided, single submitter. Criteria: ACMG Guidelines, 2015. Collection method: clinical testing. Allele origin: germline.